The following is an entry in ClinVar:

ClinVar aggregate classification (germline): Uncertain significance (1 of 4 stars; one submission).

Submission:

Ambry Genetics
Classification: Uncertain significance. Last evaluated: 2024-05-22. Review status: criteria provided, single submitter. Criteria: Ambry Variant Classification Scheme 2023. Collection method: clinical testing. Allele origin: germline.
Comment: The p.D26A variant (also known as c.77A>C), located in coding exon 1 of the POLQ gene, results from an A to C substitution at nucleotide position 77. The aspartic acid at codon 26 is replaced by alanine, an amino acid with dissimilar properties. This amino acid position is conserved. In addition, this alteration is predicted to be tolerated by in silico analysis. Based on the available evidence, the clinical significance of this variant remains unclear.

NM_199420.4(POLQ):c.77A>C (p.Asp26Ala)

Genes: POLQ (DNA polymerase theta; minus strand), LOC112872292 (Sharpr-MPRA regulatory region 30; plus strand). Cytogenetic location: 3q13.33.
Variant type: single nucleotide variant.
Coding change: c.77A>C on transcript NM_199420.4 (MANE Select); coding-DNA position 77, A replaced by C.
Protein change: p.Asp26Ala; replaces aspartic acid 26 with alanine.
Molecular consequence: missense variant.
Genome position (GRCh38, 1-based): chr3:121,545,801, T>G on the plus strand (A>C on the coding strand, the complement: POLQ is on the minus strand). VCF-style: chr3-121545801-T-G. GRCh37 (hg19) VCF-style: chr3-121264648-T-G.
Other names: short protein forms D26A.
Identifiers: ClinVar variation 3308693 (VCV003308693.1).